The following is an entry in ClinVar:

ClinVar aggregate classification (germline): Uncertain significance (1 of 4 stars; one submission).

gnomAD v4.1: 12 of 1,613,706 alleles (0.00074%); highest among the groups gnomAD compares: African/African-American, 0.013%; no homozygotes.

Submission:

Labcorp Genetics (formerly Invitae), Labcorp
Classification: Uncertain significance. Last evaluated: 2025-06-13. Review status: criteria provided, single submitter. Criteria: Invitae Variant Classification Sherloc (09022015). Collection method: clinical testing. Allele origin: germline.
Comment: This sequence change replaces proline, which is neutral and non-polar, with threonine, which is neutral and polar, at codon 253 of the FREM1 protein (p.Pro253Thr). This variant is present in population databases (rs377682254, gnomAD 0.02%). This variant has not been reported in the literature in individuals affected with FREM1-related conditions. ClinVar contains an entry for this variant (Variation ID: 3707756). Invitae Evidence Modeling of protein sequence and biophysical properties (such as structural, functional, and spatial information, amino acid conservation, physicochemical variation, residue mobility, and thermodynamic stability) indicates that this missense variant is expected to disrupt FREM1 protein function with a positive predictive value of 80%. In summary, the available evidence is currently insufficient to determine the role of this variant in disease. Therefore, it has been classified as a Variant of Uncertain Significance.

NM_001379081.2(FREM1):c.757C>A (p.Pro253Thr)

Gene: FREM1 (FRAS1 related extracellular matrix 1; minus strand). Cytogenetic location: 9p22.3.
Variant type: single nucleotide variant.
Coding change: c.757C>A on transcript NM_001379081.2 (MANE Select); coding-DNA position 757, C replaced by A.
Protein change: p.Pro253Thr; replaces proline 253 with threonine.
Molecular consequence: missense variant. On other transcripts: non-coding transcript variant (4).
Genome position (GRCh38, 1-based): chr9:14,857,624, G>T on the plus strand (C>A on the coding strand, the complement: FREM1 is on the minus strand). VCF-style: chr9-14857624-G-T. GRCh37 (hg19) VCF-style: chr9-14857622-G-T.
Other names: c.784C>A, p.Pro262Thr (NM_001370060.1); c.757C>A, p.Pro253Thr (NM_001370063.1, NM_001370065.1, NM_144966.7); short protein forms P253T, P262T.
Identifiers: ClinVar variation 3707756 (VCV003707756.2).